The following is an entry in ClinVar:

NM_001408.3(CELSR2):c.6510C>T (p.Ser2170=)

Gene: CELSR2 (cadherin EGF LAG seven-pass G-type receptor 2; plus strand). Cytogenetic location: 1p13.3.
Variant type: single nucleotide variant.
Coding change: c.6510C>T on transcript NM_001408.3 (MANE Select); coding-DNA position 6510, C replaced by T.
Protein change: p.Ser2170=; no amino-acid change (serine 2170 retained).
Molecular consequence: synonymous variant.
Genome position (GRCh38, 1-based): chr1:109,268,887, C>T. VCF-style: chr1-109268887-C-T. GRCh37 (hg19) VCF-style: chr1-109811509-C-T.
Identifiers: ClinVar variation 1533877 (VCV001533877.32), dbSNP rs142255122, ClinGen allele CA987912.

ClinVar aggregate classification (germline): Likely benign. Review status: criteria provided, multiple submitters, no conflicts (2 of 4 stars). 3 submissions from 3 submitters: Likely benign (3). Last evaluated 2024-11-07.

Allele frequency attached by ClinVar (database versions not stated): 1000 Genomes Project 0.00040; 1000 Genomes Project 30x 0.00047; ExAC 0.00067; gnomAD exomes 0.00073 and 0.00121; gnomAD 0.00074 and 0.00077; TOPMed 0.00081; ESP Exome Variant Server 0.00085.
gnomAD v4.1: 1,887 of 1,609,442 alleles (0.12%); highest among the groups gnomAD compares: Non-Finnish European, 0.14%; 4 homozygotes.

Submissions (3):

Blueprint Genetics
Classification: Likely benign. Last evaluated: 2024-11-07. Review status: criteria provided, single submitter. Criteria: ACMG Guidelines, 2015. Collection method: clinical testing. Allele origin: germline.

Labcorp Genetics (formerly Invitae), Labcorp
Classification: Likely benign. Last evaluated: 2024-10-17. Review status: criteria provided, single submitter. Criteria: Invitae Variant Classification Sherloc (09022015). Collection method: clinical testing. Allele origin: germline.

CeGaT Center for Human Genetics Tuebingen
Classification: Likely benign. Last evaluated: 2022-09-01. Review status: criteria provided, single submitter. Criteria: CeGaT Center For Human Genetics Tuebingen Variant Classification Criteria Version 2. Collection method: clinical testing. Allele origin: germline. Affected: yes. Observed: 1 variant allele.
Comment: CELSR2: BP4, BP7